The following is an entry in ClinVar:

NM_015102.5(NPHP4):c.3046G>A (p.Val1016Ile)

Gene: NPHP4 (nephrocystin 4; minus strand). Cytogenetic location: 1p36.31.
Variant type: single nucleotide variant.
Coding change: c.3046G>A on transcript NM_015102.5 (MANE Select); coding-DNA position 3046, G replaced by A.
Protein change: p.Val1016Ile; replaces valine 1016 with isoleucine.
Molecular consequence: missense variant. On other transcripts: non-coding transcript variant (1).
Genome position (GRCh38, 1-based): chr1:5,874,656, C>T on the plus strand (G>A on the coding strand, the complement: NPHP4 is on the minus strand). VCF-style: chr1-5874656-C-T. GRCh37 (hg19) VCF-style: chr1-5934716-C-T.
Other names: c.1507G>A, p.Val503Ile (NM_001291593.2); c.1510G>A, p.Val504Ile (NM_001291594.2); short protein forms V1016I, V503I, V504I.
Identifiers: ClinVar variation 297798 (VCV000297798.15), dbSNP rs200702924, ClinGen allele CA553807.

ClinVar aggregate classification (germline): Uncertain significance. Review status: criteria provided, multiple submitters, no conflicts (2 of 4 stars). 5 submissions from 4 submitters: Uncertain significance (5). Last evaluated 2024-01-24.

Conditions:
Senior-Loken syndrome 4 (SLSN4). Identifiers: Orphanet 3156, MedGen C1846979, MONDO:0011756, OMIM 606996.
Nephronophthisis. Also called: Juvenile Nephronophthisis. Identifiers: Orphanet 655, MedGen C0687120, MONDO:0019005, HP:0000090.
Nephronophthisis 4 (NPHP4). Also called: NEPHRONOPHTHISIS 4, JUVENILE. Identifiers: Orphanet 655, MedGen C1847013, MONDO:0011752, OMIM 606966.

Allele frequency attached by ClinVar (database versions not stated): ESP Exome Variant Server 0.00008; gnomAD 0.00009 and 0.00011; gnomAD exomes 0.00010 and 0.00020; TOPMed 0.00014; ExAC 0.00020; 1000 Genomes Project 30x 0.00031; 1000 Genomes Project 0.00060.
gnomAD v4.1: 160 of 1,611,212 alleles (0.0099%); highest among the groups gnomAD compares: Admixed American, 0.08%; no homozygotes.

Submissions (5):

Fulgent Genetics
Classification: Uncertain significance for Nephronophthisis 4; Senior-Loken syndrome 4. Last evaluated: 2024-01-24. Review status: criteria provided, single submitter. Criteria: ACMG Guidelines, 2015. Collection method: clinical testing. Allele origin: germline.

Labcorp Genetics (formerly Invitae), Labcorp
Classification: Uncertain significance for Nephronophthisis. Last evaluated: 2022-11-01. Review status: criteria provided, single submitter. Criteria: Invitae Variant Classification Sherloc (09022015). Collection method: clinical testing. Allele origin: germline.
Comment: This sequence change replaces valine, which is neutral and non-polar, with isoleucine, which is neutral and non-polar, at codon 1016 of the NPHP4 protein (p.Val1016Ile). This variant is present in population databases (rs200702924, gnomAD 0.1%). This missense change has been observed in individual(s) with a nephronophthisis-associated ciliopathy (PMID: 23188109). ClinVar contains an entry for this variant (Variation ID: 297798). Algorithms developed to predict the effect of missense changes on protein structure and function output the following: SIFT: "Tolerated"; PolyPhen-2: "Benign"; Align-GVGD: "Class C0". The isoleucine amino acid residue is found in multiple mammalian species, which suggests that this missense change does not adversely affect protein function. In summary, the available evidence is currently insufficient to determine the role of this variant in disease. Therefore, it has been classified as a Variant of Uncertain Significance.

Illumina Laboratory Services, Illumina
Classification: Uncertain significance for Nephronophthisis 4. Last evaluated: 2018-01-12. Review status: criteria provided, single submitter. Criteria: ICSL Variant Classification Criteria 13 December 2019. Collection method: clinical testing. Allele origin: germline.

Illumina Laboratory Services, Illumina
Classification: Uncertain significance for Senior-Loken syndrome 4. Last evaluated: 2018-01-12. Review status: criteria provided, single submitter. Criteria: ICSL Variant Classification Criteria 13 December 2019. Collection method: clinical testing. Allele origin: germline.

Eurofins Ntd Llc (ga)
Classification: Uncertain significance. Last evaluated: 2017-12-27. Review status: criteria provided, single submitter. Criteria: EGL Classification Definitions 2015. Collection method: clinical testing. Allele origin: germline. Observed: 1 variant allele, 1 heterozygote.

Literature cited by the submitters: PubMed 23188109 (cited by Labcorp Genetics (formerly Invitae), Labcorp).